The following is an entry in ClinVar:

NM_017654.4(SAMD9):c.4189T>A (p.Cys1397Ser)

Gene: SAMD9 (sterile alpha motif domain containing 9; minus strand). Cytogenetic location: 7q21.2.
Variant type: single nucleotide variant.
Coding change: c.4189T>A on transcript NM_017654.4 (MANE Select); coding-DNA position 4189, T replaced by A.
Protein change: p.Cys1397Ser; replaces cysteine 1397 with serine.
Molecular consequence: missense variant.
Genome position (GRCh38, 1-based): chr7:93,101,909, A>T on the plus strand (T>A on the coding strand, the complement: SAMD9 is on the minus strand). VCF-style: chr7-93101909-A-T. GRCh37 (hg19) VCF-style: chr7-92731222-A-T.
Other names: c.4189T>A, p.Cys1397Ser (NM_001193307.2); short protein forms C1397S.
Identifiers: ClinVar variation 4159159 (VCV004159159.1).

ClinVar aggregate classification (germline): Uncertain significance (1 of 4 stars; one submission).

Conditions:
Inborn genetic diseases. Identifiers: MedGen C0950123, MeSH D030342.

Submission:

Ambry Genetics
Classification: Uncertain significance for Inborn genetic diseases. Last evaluated: 2025-08-20. Review status: criteria provided, single submitter. Criteria: Ambry Variant Classification Scheme 2023. Collection method: clinical testing. Allele origin: germline.
Comment: The p.C1397S variant (also known as c.4189T>A), located in coding exon 1 of the SAMD9 gene, results from a T to A substitution at nucleotide position 4189. The cysteine at codon 1397 is replaced by serine, an amino acid with dissimilar properties. This amino acid position is conserved. In addition, this alteration is predicted to be tolerated by in silico analysis. Based on the available evidence, the clinical significance of this variant remains unclear.